The following is an entry in ClinVar:

ClinVar aggregate classification (germline): Uncertain significance (1 of 4 stars; one submission).

Conditions:
Timothy syndrome type 1. Identifiers: Orphanet 595098, MedGen C5574939, MONDO:0035678.

Submission:

Victorian Clinical Genetics Services, Murdoch Childrens Research Institute
Classification: Uncertain significance for Timothy syndrome type 1. Last evaluated: 2022-02-02. Review status: criteria provided, single submitter. Criteria: ACMG Guidelines, 2015. Collection method: clinical testing. Allele origin: germline. Inheritance: Autosomal dominant inheritance. Affected: yes.
Comment: Based on the classification scheme VCGS_Germline_v1.3.4, this variant is classified as VUS-3C. Following criteria are met: 0101 - Gain of function is a known mechanism of disease in this gene and is associated with Long QT syndrome 8 (MIM #618447), and Timothy syndrome (MIM#601005). Missense variants result in loss of channel inactivation, and increased current (OMIM, PMID: 25260352). (I) 0107 - This gene is associated with autosomal dominant disease. (I) 0212 - Non-canonical splice site variant without proven consequence on splicing (no functional evidence available). (SP) 0251 - This variant is heterozygous. (I) 0301 - Variant is absent from gnomAD (both v2 and v3). (SP) 0506 - Abnormal splicing is not predicted and nucleotide is poorly conserved. (SB) 0705 - No comparable non-canonical splice site variants have previous evidence for pathogenicity. (I) 0807 - This variant has no previous evidence of pathogenicity. (I) 0905 - No published segregation evidence has been identified for this variant. (I) 1007 - No published functional evidence has been identified for this variant. (I) 1208 - Inheritance information for this variant is not currently available in this individual. (I) Legend: (SP) - Supporting pathogenic, (I) - Information, (SB) - Supporting benign

Literature cited by the submitters: PubMed 25260352.

NM_000719.7(CACNA1C):c.2530+4C>T

Gene: CACNA1C (calcium voltage-gated channel subunit alpha1 C; plus strand). Cytogenetic location: 12p13.33.
Variant type: single nucleotide variant.
Coding change: c.2530+4C>T on transcript NM_000719.7 (MANE Select); 4 bases into the intron after coding-DNA position 2530, C replaced by T.
Molecular consequence: intron variant.
Genome position (GRCh38, 1-based): chr12:2,585,908, C>T. VCF-style: chr12-2585908-C-T. GRCh37 (hg19) VCF-style: chr12-2695074-C-T.
Other names: c.2530+4C>T (NM_001167624.3, NM_001167623.2, NM_001167625.2 and 18 more transcripts); c.2521+4C>T (NM_001129844.2).
Identifiers: ClinVar variation 1699478 (VCV001699478.3), dbSNP rs2153232586, ClinGen allele CA2573131740.